The following is an entry in ClinVar:

ClinVar aggregate classification (germline): Pathogenic/Likely pathogenic. Review status: criteria provided, multiple submitters, no conflicts (2 of 4 stars). 2 submissions from 2 submitters: Pathogenic (1); Likely pathogenic (1). Last evaluated 2025-12-10.

Conditions:
Retinitis pigmentosa 25 (RP25). Identifiers: Orphanet 791, MedGen C1864446, MONDO:0011272, OMIM 602772.

Allele frequency attached by ClinVar (database versions not stated): TOPMed 0.00001.

Submissions (2):

Myriad Genetics, Inc.
Classification: Likely pathogenic for Retinitis pigmentosa 25. Last evaluated: 2025-12-10. Review status: criteria provided, single submitter. Criteria: Myriad Autosomal Dominant, Autosomal Recessive and X-Linked Classification Criteria (2023). Collection method: clinical testing. Allele origin: unknown.
Comment: NM_001142800.1(EYS):c.5835+1G>T is a variant in a canonical splice site classified as likely pathogenic in the context of retinitis pigmentosa, EYS-related. c.5835+1G>T has not been observed in cases with relevant disease. Relevant functional assessments of this variant are not available in the literature. c.5835+1G>T has not been observed in referenced population frequency databases. In summary, NM_001142800.1(EYS):c.5835+1G>T is a variant in a canonical splice site in a gene where loss of function is a known mechanism of disease and is predicted to disrupt protein function. Please note: this variant was assessed in the context of healthy population screening.

Labcorp Genetics (formerly Invitae), Labcorp
Classification: Pathogenic. Last evaluated: 2024-11-02. Review status: criteria provided, single submitter. Criteria: Invitae Variant Classification Sherloc (09022015). Collection method: clinical testing. Allele origin: germline.
Comment: This sequence change affects a donor splice site in intron 27 of the EYS gene. It is expected to disrupt RNA splicing. Variants that disrupt the donor or acceptor splice site typically lead to a loss of protein function (PMID: 16199547), and loss-of-function variants in EYS are known to be pathogenic (PMID: 18836446, 20333770). This variant is not present in population databases (gnomAD no frequency). Disruption of this splice site has been observed in individual(s) with retinitis pigmentosa (internal data). In at least one individual the data is consistent with being in trans (on the opposite chromosome) from a pathogenic variant. ClinVar contains an entry for this variant (Variation ID: 951517). Algorithms developed to predict the effect of sequence changes on RNA splicing suggest that this variant may disrupt the consensus splice site. For these reasons, this variant has been classified as Pathogenic.

Literature cited by the submitters: PubMed 16199547 (cited by Labcorp Genetics (formerly Invitae), Labcorp); PubMed 18836446 (cited by Labcorp Genetics (formerly Invitae), Labcorp); PubMed 20333770 (cited by Labcorp Genetics (formerly Invitae), Labcorp).

NM_001142800.2(EYS):c.5835+1G>T

Gene: EYS (EGF-like photoreceptor maintenance factor; minus strand). Cytogenetic location: 6q12.
Variant type: single nucleotide variant.
Coding change: c.5835+1G>T on transcript NM_001142800.2 (MANE Select); the canonical splice donor site of the intron after coding-DNA position 5835, G replaced by T.
Molecular consequence: splice donor variant.
Genome position (GRCh38, 1-based): chr6:64,439,161, C>A on the plus strand (G>T on the coding strand, the complement: EYS is on the minus strand). VCF-style: chr6-64439161-C-A. GRCh37 (hg19) VCF-style: chr6-65149054-C-A.
Other names: c.5835+1G>T (NM_001292009.2).
Identifiers: ClinVar variation 951517 (VCV000951517.9), dbSNP rs1774851704, ClinGen allele CA364392492.